The following is an entry in ClinVar:

NM_002691.4(POLD1):c.3218+11T>G

Gene: POLD1 (DNA polymerase delta 1, catalytic subunit; plus strand). Cytogenetic location: 19q13.33.
Variant type: single nucleotide variant.
Coding change: c.3218+11T>G on transcript NM_002691.4 (MANE Select); 11 bases into the intron after coding-DNA position 3218, T replaced by G.
Molecular consequence: intron variant.
Genome position (GRCh38, 1-based): chr19:50,417,280, T>G. VCF-style: chr19-50417280-T-G. GRCh37 (hg19) VCF-style: chr19-50920537-T-G.
Other names: c.3218+11T>G (LRG_785t1, NM_001256849.1); c.3296+11T>G (LRG_785t2, NM_001308632.1).
Identifiers: ClinVar variation 384962 (VCV000384962.11), dbSNP rs567133743, ClinGen allele CA9596796.

ClinVar aggregate classification (germline): Likely benign. Review status: criteria provided, multiple submitters, no conflicts (2 of 4 stars). 3 submissions from 3 submitters: Likely benign (2). 1 of the submissions does not count toward it. Last evaluated 2026-01-19.

Conditions:
POLD1-related polyposis and colorectal cancer syndrome (CRCS10). Also called: Colorectal cancer, susceptibility to, 10; Colorectal cancer 10; COLORECTAL CANCER, SUSCEPTIBILITY TO, ON CHROMOSOME 19q. Identifiers: Orphanet 220460, MedGen C2675481, MONDO:0012953, OMIM 612591.
POLD1-related disorder. Also called: POLD1-related disorders; POLD1-related condition.

Allele frequency attached by ClinVar (database versions not stated): gnomAD exomes 0.00003; ExAC 0.00004; gnomAD 0.00010; TOPMed 0.00010; 1000 Genomes Project 30x 0.00016; 1000 Genomes Project 0.00020.
gnomAD v4.1: 35 of 1,566,250 alleles (0.0022%); highest among the groups gnomAD compares: African/African-American, 0.043%; no homozygotes.

Submissions (3):

Labcorp Genetics (formerly Invitae), Labcorp
Classification: Likely benign for POLD1-related polyposis and colorectal cancer syndrome. Last evaluated: 2026-01-19. Review status: criteria provided, single submitter. Criteria: Invitae Variant Classification Sherloc (09022015). Collection method: clinical testing. Allele origin: germline.

GeneDx
Classification: Likely benign. Last evaluated: 2016-03-18. Review status: criteria provided, single submitter. Criteria: GeneDx Variant Classification (06012015). Collection method: clinical testing. Allele origin: germline. Affected: yes.
Comment: This variant is considered likely benign or benign based on one or more of the following criteria: it is a conservative change, it occurs at a poorly conserved position in the protein, it is predicted to be benign by multiple in silico algorithms, and/or has population frequency not consistent with disease.

PreventionGenetics, part of Exact Sciences
Classification: Likely benign for POLD1-related condition. Last evaluated: 2022-08-30. Review status: no assertion criteria provided. Collection method: clinical testing. Allele origin: germline. Not counted in ClinVar's aggregate classification.
Comment: This variant is classified as likely benign based on ACMG/AMP sequence variant interpretation guidelines (Richards et al. 2015 PMID: 25741868, with internal and published modifications).